The following is an entry in ClinVar:

ClinVar aggregate classification (germline): Uncertain significance (1 of 4 stars; one submission).

Allele frequency attached by ClinVar (database versions not stated): gnomAD exomes below 0.00001; gnomAD 0.00001.
gnomAD v4.1: 4 of 1,613,622 alleles (0.00025%); highest among the groups gnomAD compares: Admixed American, 0.0017%; no homozygotes.

Submission:

GeneDx
Classification: Uncertain significance. Last evaluated: 2014-09-23. Review status: criteria provided, single submitter. Criteria: GeneDx Variant Classification (06012015). Collection method: clinical testing. Allele origin: germline. Affected: yes.
Comment: Missense variants in the TTN gene are considered 'unclassified' if they are not previously reported in the literature and do not have >1% frequency in the population to be considered a polymorphism. Research indicates that truncating mutations in the TTN gene are expected to account for approximately 25% of familial and 18% of sporadic idiopathic DCM; however, truncating variants in the TTN gene have been reported in approximately 3% of reported control alleles. There has been little investigation into non-truncating variants. (Herman D et al. Truncations of titin causing dilated cardiomyopathy. N Eng J Med 366:619-628, 2012) The variant is found in DCM-CRDM panel(s).

NM_001267550.2(TTN):c.82524A>T (p.Lys27508Asn)

Genes: TTN-AS1 (TTN antisense RNA 1; plus strand), TTN (titin; minus strand). Cytogenetic location: 2q31.2.
Variant type: single nucleotide variant.
Coding change: c.82524A>T on transcript NM_001267550.2 (MANE Select); coding-DNA position 82524, A replaced by T.
Protein change: p.Lys27508Asn; replaces lysine 27508 with asparagine.
Molecular consequence: missense variant.
Genome position (GRCh38, 1-based): chr2:178,563,608, T>A on the plus strand (A>T on the coding strand, the complement: TTN is on the minus strand). VCF-style: chr2-178563608-T-A. GRCh37 (hg19) VCF-style: chr2-179428335-T-A.
Other names: p.K25867N:AAA>AAT; c.77601A>T, p.Lys25867Asn (NM_001256850.1); c.55329A>T, p.Lys18443Asn (NM_003319.4); c.74820A>T, p.Lys24940Asn (NM_133378.4); c.55704A>T, p.Lys18568Asn (NM_133432.3); c.55905A>T, p.Lys18635Asn (NM_133437.4); short protein forms K25867N, K27508N, K24940N, K18443N, K18568N, K18635N.
Identifiers: ClinVar variation 202912 (VCV000202912.2), dbSNP rs766900644, ClinGen allele CA310668.
Genomic context (GRCh38, chr2:178,563,608, plus strand): 5'-CCGCAGATCCGTTAATGTTTTCTTGTTGCACTTGGTCCATCTAACGCCTTCCTTATCTCG[T>A]TTTTCAAGAATGTAGCCCTCAATTTCGGTACCTCCGTCGTCTACTGGGCGTGCCCATGTT-3'
Protein context (NP_001254479.2, residues 27498-27518): GTEIEGYILE[Lys27508Asn]RDKEGVRWTK